The following is an entry in ClinVar:

NM_006516.4(SLC2A1):c.586C>G (p.Pro196Ala)

Gene: SLC2A1 (solute carrier family 2 member 1; minus strand). Cytogenetic location: 1p34.2.
Variant type: single nucleotide variant.
Coding change: c.586C>G on transcript NM_006516.4 (MANE Select); coding-DNA position 586, C replaced by G.
Protein change: p.Pro196Ala; replaces proline 196 with alanine.
Molecular consequence: missense variant.
Genome position (GRCh38, 1-based): chr1:42,929,966, G>C on the plus strand (C>G on the coding strand, the complement: SLC2A1 is on the minus strand). VCF-style: chr1-42929966-G-C. GRCh37 (hg19) VCF-style: chr1-43395637-G-C.
Other names: short protein forms P196A.
Identifiers: ClinVar variation 1182494 (VCV001182494.11), dbSNP rs2124449385, ClinGen allele CA339958643.

ClinVar aggregate classification (germline): Uncertain significance. Review status: criteria provided, multiple submitters, no conflicts (2 of 4 stars). 8 submissions from 4 submitters: Uncertain significance (8). Last evaluated 2023-04-11.

Conditions:
Hereditary cryohydrocytosis with reduced stomatin. Also called: Stomatin-deficient cryohydrocytosis with neurologic defects; GLUT1 DEFICIENCY SYNDROME WITH PSEUDOHYPERKALEMIA AND HEMOLYSIS. Identifiers: Orphanet 168577, MedGen C1837206, MONDO:0012143, OMIM 608885.
Dystonia 9 (DYT9). Also called: CHOREOATHETOSIS, KINESIGENIC, WITH EPISODIC ATAXIA AND SPASTICITY. Identifiers: Orphanet 53583, MedGen C1832855, MONDO:0010983, OMIM 601042.
Epilepsy, idiopathic generalized, susceptibility to, 12 (EIG12). Identifiers: MedGen C3553859, MONDO:0013919, OMIM 614847.
Encephalopathy due to GLUT1 deficiency. Also called: De Vivo disease; Glucose transporter protein syndrome; GLUT1 deficiency syndrome 1; GLUCOSE TRANSPORT DEFECT, BLOOD-BRAIN BARRIER; GLUT1 deficiency syndrome 1, infantile onset, severe; Classic Glucose Transporter Type 1 Deficiency Syndrome. Identifiers: Orphanet 71277, MedGen C4551966, MONDO:0011724, OMIM 606777.
GLUT1 deficiency syndrome 1, autosomal recessive. Identifiers: MedGen C3149117.
Childhood onset GLUT1 deficiency syndrome 2. Also called: Paroxysmal exercise-induced dystonia; PxMD-SLC2A1; PAROXYSMAL EXERCISE-INDUCED DYSKINESIA WITH OR WITHOUT EPILEPSY AND/OR HEMOLYTIC ANEMIA; PAROXYSMAL EXERTION-INDUCED DYSTONIA WITH OR WITHOUT EPILEPSY AND/OR HEMOLYTIC ANEMIA; PED WITH OR WITHOUT EPILEPSY AND/OR HEMOLYTIC ANEMIA; GLUT1 deficiency syndrome 2. Identifiers: Orphanet 98811, MedGen C1842534, MONDO:0012805, OMIM 612126.

gnomAD v4.1: 1 of 1,614,184 alleles (0.000062%); highest among the groups gnomAD compares: Non-Finnish European, 0.000085%; no homozygotes.

Submissions (8):

Genome-Nilou Lab
Classification: Uncertain significance for Epilepsy, idiopathic generalized, susceptibility to, 12. Last evaluated: 2023-04-11. Review status: criteria provided, single submitter. Criteria: ACMG Guidelines, 2015. Collection method: clinical testing. Allele origin: germline. Affected: no.

Genome-Nilou Lab
Classification: Uncertain significance for Dystonia 9. Last evaluated: 2023-04-11. Review status: criteria provided, single submitter. Criteria: ACMG Guidelines, 2015. Collection method: clinical testing. Allele origin: germline. Affected: no.

Genome-Nilou Lab
Classification: Uncertain significance for Encephalopathy due to GLUT1 deficiency. Last evaluated: 2023-04-11. Review status: criteria provided, single submitter. Criteria: ACMG Guidelines, 2015. Collection method: clinical testing. Allele origin: germline. Affected: no.

Genome-Nilou Lab
Classification: Uncertain significance for Childhood onset GLUT1 deficiency syndrome 2. Last evaluated: 2023-04-11. Review status: criteria provided, single submitter. Criteria: ACMG Guidelines, 2015. Collection method: clinical testing. Allele origin: germline. Affected: no.

Genome-Nilou Lab
Classification: Uncertain significance for Hereditary cryohydrocytosis with reduced stomatin. Last evaluated: 2023-04-11. Review status: criteria provided, single submitter. Criteria: ACMG Guidelines, 2015. Collection method: clinical testing. Allele origin: germline. Affected: no.

Labcorp Genetics (formerly Invitae), Labcorp
Classification: Uncertain significance for GLUT1 deficiency syndrome 1, autosomal recessive. Last evaluated: 2021-06-20. Review status: criteria provided, single submitter. Criteria: Invitae Variant Classification Sherloc (09022015). Collection method: clinical testing. Allele origin: germline.
Comment: Advanced modeling of protein sequence and biophysical properties (such as structural, functional, and spatial information, amino acid conservation, physicochemical variation, residue mobility, and thermodynamic stability) performed at Invitae indicates that this missense variant is expected to disrupt SLC2A1 protein function. This sequence change replaces proline with alanine at codon 196 of the SLC2A1 protein (p.Pro196Ala). The proline residue is highly conserved and there is a small physicochemical difference between proline and alanine. This variant is not present in population databases (ExAC no frequency). This variant has not been reported in the literature in individuals with SLC2A1-related conditions. In summary, the available evidence is currently insufficient to determine the role of this variant in disease. Therefore, it has been classified as a Variant of Uncertain Significance.

GeneDx
Classification: Uncertain significance. Last evaluated: 2020-10-26. Review status: criteria provided, single submitter. Criteria: GeneDx Variant Classification Process June 2021. Collection method: clinical testing. Allele origin: germline. Affected: yes.
Comment: Not observed in large population cohorts (Lek et al., 2016); In silico analysis supports that this missense variant has a deleterious effect on protein structure/function; Has not been previously published as pathogenic or benign to our knowledge

Blueprint Genetics
Classification: Uncertain significance. Last evaluated: 2020-04-22. Review status: criteria provided, single submitter. Criteria: ACMG Guidelines, 2015. Collection method: clinical testing. Allele origin: germline.